The following is an entry in ClinVar:

ClinVar aggregate classification (germline): Uncertain significance. Review status: criteria provided, multiple submitters, no conflicts (2 of 4 stars). 4 submissions from 4 submitters: Uncertain significance (4). Last evaluated 2024-10-02.

Conditions:
ERCC6-related disorder. Also called: ERCC6-related disorders; ERCC6-related condition. Identifiers: MedGen CN239385.
Inborn genetic diseases. Identifiers: MedGen C0950123, MeSH D030342.

Allele frequency attached by ClinVar (database versions not stated): gnomAD exomes below 0.00001 and 0.00002; gnomAD 0.00001; ExAC 0.00002; TOPMed 0.00004.

Submissions (4):

PreventionGenetics, part of Exact Sciences
Classification: Uncertain significance for ERCC6-related condition. Last evaluated: 2024-10-02. Review status: criteria provided, single submitter. Criteria: ACMG Guidelines, 2015. Collection method: clinical testing. Allele origin: germline.
Comment: The ERCC6 c.899C>T variant is predicted to result in the amino acid substitution p.Ala300Val. To our knowledge, this variant has not been reported in the literature. This variant is reported in 0.020% of alleles in individuals of East Asian descent in gnomAD. At this time, the clinical significance of this variant is uncertain due to the absence of conclusive functional and genetic evidence.

Ambry Genetics
Classification: Uncertain significance for Inborn genetic diseases. Last evaluated: 2024-05-23. Review status: criteria provided, single submitter. Criteria: Ambry Variant Classification Scheme 2023. Collection method: clinical testing. Allele origin: germline.

Labcorp Genetics (formerly Invitae), Labcorp
Classification: Uncertain significance. Last evaluated: 2022-08-16. Review status: criteria provided, single submitter. Criteria: Invitae Variant Classification Sherloc (09022015). Collection method: clinical testing. Allele origin: germline.
Comment: This sequence change replaces alanine, which is neutral and non-polar, with valine, which is neutral and non-polar, at codon 300 of the ERCC6 protein (p.Ala300Val). This variant is present in population databases (rs373471724, gnomAD 0.02%). This variant has not been reported in the literature in individuals affected with ERCC6-related conditions. ClinVar contains an entry for this variant (Variation ID: 1343428). Algorithms developed to predict the effect of missense changes on protein structure and function are either unavailable or do not agree on the potential impact of this missense change (SIFT: "Deleterious"; PolyPhen-2: "Benign"; Align-GVGD: "Class C0"). In summary, the available evidence is currently insufficient to determine the role of this variant in disease. Therefore, it has been classified as a Variant of Uncertain Significance.

Women's Health and Genetics/Laboratory Corporation of America, LabCorp
Classification: Uncertain significance. Last evaluated: 2022-02-18. Review status: criteria provided, single submitter. Criteria: LabCorp Variant Classification Summary - May 2015. Collection method: clinical testing. Allele origin: germline.

NM_000124.4(ERCC6):c.899C>T (p.Ala300Val)

Gene: ERCC6 (ERCC excision repair 6, chromatin remodeling factor; minus strand). Cytogenetic location: 10q11.23.
Variant type: single nucleotide variant.
Coding change: c.899C>T on transcript NM_000124.4 (MANE Select); coding-DNA position 899, C replaced by T.
Protein change: p.Ala300Val; replaces alanine 300 with valine.
Molecular consequence: missense variant.
Genome position (GRCh38, 1-based): chr10:49,524,531, G>A on the plus strand (C>T on the coding strand, the complement: ERCC6 is on the minus strand). VCF-style: chr10-49524531-G-A. GRCh37 (hg19) VCF-style: chr10-50732577-G-A.
Other names: c.899C>T, p.Ala300Val (NM_001277058.2, NM_001277059.2, NM_001346440.2); c.899C>T (NM_000124.2); short protein forms A300V.
Identifiers: ClinVar variation 1343428 (VCV001343428.5), dbSNP rs373471724, ClinGen allele CA5496418.
Genomic context (GRCh38, chr10:49,524,531, plus strand): 5'-ACTCTGGCTTTCTTGTTTGGTTTGTTTTTATTTTGCACTGGGGCTGGAGGCGTGACTGGG[G>A]CTGGAGCTTTTCTAGCTGCTCTTTTATTACAACCTTGCTTCTTCCTTTCAAAAGACAGTT-3'
Protein context (NP_000115.1, residues 290-310): CNKRAARKAP[Ala300Val]PVTPPAPVQN